The following is an entry in ClinVar:

NM_001079668.3(NKX2-1):c.313G>C (p.Val105Leu)

Genes: NKX2-1 (NK2 homeobox 1; minus strand), SFTA3 (surfactant associated 3; minus strand). Cytogenetic location: 14q13.3.
Variant type: single nucleotide variant.
Coding change: c.313G>C on transcript NM_001079668.3 (MANE Select); coding-DNA position 313, G replaced by C.
Protein change: p.Val105Leu; replaces valine 105 with leucine.
Molecular consequence: missense variant.
Genome position (GRCh38, 1-based): chr14:36,519,135, C>G on the plus strand (G>C on the coding strand, the complement: NKX2-1 is on the minus strand). VCF-style: chr14-36519135-C-G. GRCh37 (hg19) VCF-style: chr14-36988340-C-G.
Other names: c.223G>C, p.Val75Leu (NM_003317.4); short protein forms V75L, V105L.
Identifiers: ClinVar variation 1363405 (VCV001363405.8), dbSNP rs776161318, ClinGen allele CA389460849.

ClinVar aggregate classification (germline): Uncertain significance (1 of 4 stars; one submission).

Submission:

Labcorp Genetics (formerly Invitae), Labcorp
Classification: Uncertain significance. Last evaluated: 2022-09-27. Review status: criteria provided, single submitter. Criteria: Invitae Variant Classification Sherloc (09022015). Collection method: clinical testing. Allele origin: germline.
Comment: In summary, the available evidence is currently insufficient to determine the role of this variant in disease. Therefore, it has been classified as a Variant of Uncertain Significance. Algorithms developed to predict the effect of missense changes on protein structure and function (SIFT, PolyPhen-2, Align-GVGD) all suggest that this variant is likely to be tolerated. ClinVar contains an entry for this variant (Variation ID: 1363405). This variant has not been reported in the literature in individuals affected with NKX2-1-related conditions. This variant is not present in population databases (gnomAD no frequency). This sequence change replaces valine, which is neutral and non-polar, with leucine, which is neutral and non-polar, at codon 105 of the NKX2-1 protein (p.Val105Leu).